The following is an entry in ClinVar:

ClinVar aggregate classification (germline): Uncertain significance (1 of 4 stars; one submission).

Submission:

Ambry Genetics
Classification: Uncertain significance. Last evaluated: 2024-12-19. Review status: criteria provided, single submitter. Criteria: Ambry Variant Classification Scheme 2023. Collection method: clinical testing. Allele origin: germline.
Comment: The p.V372M variant (also known as c.1114G>A), located in coding exon 6 of the GFI1 gene, results from a G to A substitution at nucleotide position 1114. The valine at codon 372 is replaced by methionine, an amino acid with highly similar properties. This amino acid position is conserved. In addition, this alteration is predicted to be tolerated by in silico analysis. Based on the available evidence, the clinical significance of this variant remains unclear.

NM_005263.5(GFI1):c.1114G>A (p.Val372Met)

Genes: GFI1 (growth factor independent 1 transcriptional repressor; minus strand), LOC129930930 (ATAC-STARR-seq lymphoblastoid active region 1314; plus strand). Cytogenetic location: 1p22.1.
Variant type: single nucleotide variant.
Coding change: c.1114G>A on transcript NM_005263.5 (MANE Select); coding-DNA position 1114, G replaced by A.
Protein change: p.Val372Met; replaces valine 372 with methionine.
Molecular consequence: missense variant.
Genome position (GRCh38, 1-based): chr1:92,476,184, C>T on the plus strand (G>A on the coding strand, the complement: GFI1 is on the minus strand). VCF-style: chr1-92476184-C-T. GRCh37 (hg19) VCF-style: chr1-92941741-C-T.
Other names: c.1114G>A, p.Val372Met (NM_001127215.3, NM_001127216.3); short protein forms V372M.
Identifiers: ClinVar variation 3853659 (VCV003853659.1).